The following is an entry in ClinVar:

ClinVar aggregate classification (germline): Uncertain significance. Review status: criteria provided, multiple submitters, no conflicts (2 of 4 stars). 3 submissions from 3 submitters: Uncertain significance (3). Last evaluated 2025-11-24.

Conditions:
COL4A3-related disorder. Also called: COL4A3-Related Disorders; COL4A3-related condition.

gnomAD v4.1: 29 of 1,614,102 alleles (0.0018%); highest among the groups gnomAD compares: Non-Finnish European, 0.0021%; no homozygotes.

Submissions (3):

Labcorp Genetics (formerly Invitae), Labcorp
Classification: Uncertain significance. Last evaluated: 2025-11-24. Review status: criteria provided, single submitter. Criteria: Invitae Variant Classification Sherloc (09022015). Collection method: clinical testing. Allele origin: germline.
Comment: This sequence change replaces isoleucine, which is neutral and non-polar, with valine, which is neutral and non-polar, at codon 1659 of the COL4A3 protein (p.Ile1659Val). This variant is present in population databases (rs193076251, gnomAD 0.01%). This variant has not been reported in the literature in individuals affected with COL4A3-related conditions. Invitae Evidence Modeling of protein sequence and biophysical properties (such as structural, functional, and spatial information, amino acid conservation, physicochemical variation, residue mobility, and thermodynamic stability) has been performed for this missense variant. However, the output from this modeling did not meet the statistical confidence thresholds required to predict the impact of this variant on COL4A3 protein function. In summary, the available evidence is currently insufficient to determine the role of this variant in disease. Therefore, it has been classified as a Variant of Uncertain Significance.

PreventionGenetics, part of Exact Sciences
Classification: Uncertain significance for COL4A3-related condition. Last evaluated: 2025-10-01. Review status: criteria provided, single submitter. Criteria: ACMG Guidelines, 2015. Collection method: clinical testing. Allele origin: germline.
Comment: The COL4A3 c.4975A>G variant is predicted to result in the amino acid substitution p.Ile1659Val. To our knowledge, this variant has not been reported in association with COL4A3-related disorders. This variant is reported in 0.0099% of alleles in individuals of Ashkenazi Jewish descent in gnomAD. At this time, the clinical significance of this variant is uncertain due to the absence of conclusive functional and genetic evidence.

Blueprint Genetics
Classification: Uncertain significance. Last evaluated: 2018-04-27. Review status: criteria provided, single submitter. Criteria: ACMG Guidelines, 2015. Collection method: clinical testing. Allele origin: germline.

NM_000091.5(COL4A3):c.4975A>G (p.Ile1659Val)

Genes: COL4A3 (collagen type IV alpha 3 chain; plus strand), MFF-DT (MFF divergent transcript; minus strand). Cytogenetic location: 2q36.3.
Variant type: single nucleotide variant.
Coding change: c.4975A>G on transcript NM_000091.5 (MANE Select); coding-DNA position 4975, A replaced by G.
Protein change: p.Ile1659Val; replaces isoleucine 1659 with valine.
Molecular consequence: missense variant.
Genome position (GRCh38, 1-based): chr2:227,311,832, A>G. VCF-style: chr2-227311832-A-G. GRCh37 (hg19) VCF-style: chr2-228176548-A-G.
Other names: short protein forms I1659V.
Identifiers: ClinVar variation 4739089 (VCV004739089.3).